The following is an entry in ClinVar:

NM_020297.4(ABCC9):c.3539_3541del (p.Glu1180del)

Gene: ABCC9 (ATP binding cassette subfamily C member 9; minus strand). Cytogenetic location: 12p12.1.
Variant type: Deletion.
Coding change: c.3539_3541del on transcript NM_020297.4 (MANE Select); coding-DNA positions 3539 to 3541, 3 bases deleted (AAG; older notation c.3539_3541delAAG).
Protein change: p.Glu1180del; deletes glutamic acid 1180.
Molecular consequence: inframe deletion.
Genome position (GRCh38, 1-based): chr12:21,838,103-21,838,105, CTT deleted on the plus strand (AAG on the coding strand, the reverse complement: ABCC9 is on the minus strand); deleting any 3 consecutive bases within chr12:21,838,103-21,838,107 gives the same sequence; the c. name uses the placement nearest the transcript's 3' end. VCF-style (leftmost placement, unchanged base first): chr12-21838102-CCTT-C. GRCh37 (hg19) VCF-style: chr12-21991036-CCTT-C.
Other names: c.3539_3541del, p.Glu1180del (NM_001377273.1, NM_005691.4); c.2672_2674del, p.Glu891del (NM_001377274.1); short protein forms E891del, E1180del.
Identifiers: ClinVar variation 2721143 (VCV002721143.3), dbSNP rs747901960, ClinGen allele CA233629706.

ClinVar aggregate classification (germline): Uncertain significance (1 of 4 stars; one submission).

Conditions:
Dilated cardiomyopathy 1O (CMD1O). Also called: CARDIOMYOPATHY, DILATED, WITH VENTRICULAR TACHYCARDIA. Identifiers: Orphanet 154, MedGen C1837839, MONDO:0012062, OMIM 608569.

Submission:

Labcorp Genetics (formerly Invitae), Labcorp
Classification: Uncertain significance for Dilated cardiomyopathy 1O. Last evaluated: 2024-05-28. Review status: criteria provided, single submitter. Criteria: Invitae Variant Classification Sherloc (09022015). Collection method: clinical testing. Allele origin: germline.
Comment: This variant, c.3539_3541del, results in the deletion of 1 amino acid(s) of the ABCC9 protein (p.Glu1180del), but otherwise preserves the integrity of the reading frame. This variant is not present in population databases (gnomAD no frequency). This variant has not been reported in the literature in individuals affected with ABCC9-related conditions. Experimental studies and prediction algorithms are not available or were not evaluated, and the functional significance of this variant is currently unknown. In summary, the available evidence is currently insufficient to determine the role of this variant in disease. Therefore, it has been classified as a Variant of Uncertain Significance.